The following is an entry in ClinVar:

ClinVar aggregate classification (germline): Likely benign. Review status: criteria provided, multiple submitters, no conflicts (2 of 4 stars). 3 submissions from 3 submitters: Likely benign (3). Last evaluated 2026-01-12.

Conditions:
TTN-related disorder. Also called: TTN-related disorders; TTN-related condition; TTN-related disease.
Cardiovascular phenotype. Identifiers: MedGen CN230736.
Autosomal recessive limb-girdle muscular dystrophy type 2J (LGMDR10). Also called: MUSCULAR DYSTROPHY, LIMB-GIRDLE, AUTOSOMAL RECESSIVE 10; Limb-girdle muscular dystrophy, type 2J. Identifiers: Orphanet 140922, MedGen C1837342, MONDO:0012127, OMIM 608807.
Dilated cardiomyopathy 1G (CMD1G). Identifiers: Orphanet 154, MedGen C1858763, MONDO:0011400, OMIM 604145.

Allele frequency attached by ClinVar (database versions not stated): gnomAD exomes 0.00001 and 0.00003; ExAC 0.00002; gnomAD 0.00002 and 0.00003; TOPMed 0.00003.
gnomAD v4.1: 21 of 1,613,790 alleles (0.0013%); highest among the groups gnomAD compares: South Asian, 0.015%; no homozygotes.

Submissions (3):

Labcorp Genetics (formerly Invitae), Labcorp
Classification: Likely benign for Dilated cardiomyopathy 1G; Autosomal recessive limb-girdle muscular dystrophy type 2J. Last evaluated: 2026-01-12. Review status: criteria provided, single submitter. Criteria: Invitae Variant Classification Sherloc (09022015). Collection method: clinical testing. Allele origin: germline.

PreventionGenetics, part of Exact Sciences
Classification: Likely benign for TTN-related condition. Last evaluated: 2025-06-19. Review status: criteria provided, single submitter. Criteria: ACMG Guidelines, 2015. Collection method: clinical testing. Allele origin: germline.
Comment: This variant is classified as likely benign based on ACMG/AMP sequence variant interpretation guidelines (Richards et al. 2015 PMID: 25741868, with internal and published modifications).

Ambry Genetics
Classification: Likely benign for Cardiovascular phenotype. Last evaluated: 2023-02-03. Review status: criteria provided, single submitter. Criteria: Ambry Variant Classification Scheme 2023. Collection method: clinical testing. Allele origin: germline.

NM_001267550.2(TTN):c.88725G>A (p.Glu29575=)

Genes: TTN-AS1 (TTN antisense RNA 1; plus strand), TTN (titin; minus strand). Cytogenetic location: 2q31.2.
Variant type: single nucleotide variant.
Coding change: c.88725G>A on transcript NM_001267550.2 (MANE Select); coding-DNA position 88725, G replaced by A.
Protein change: p.Glu29575=; no amino-acid change (glutamic acid 29575 retained).
Molecular consequence: synonymous variant.
Genome position (GRCh38, 1-based): chr2:178,554,622, C>T on the plus strand (G>A on the coding strand, the complement: TTN is on the minus strand). VCF-style: chr2-178554622-C-T. GRCh37 (hg19) VCF-style: chr2-179419349-C-T.
Other names: c.83802G>A, p.Glu27934= (NM_001256850.1); c.61530G>A, p.Glu20510= (NM_003319.4); c.81021G>A, p.Glu27007= (NM_133378.4); c.61905G>A, p.Glu20635= (NM_133432.3); c.62106G>A, p.Glu20702= (NM_133437.4).
Identifiers: ClinVar variation 1636199 (VCV001636199.10), dbSNP rs771658919, ClinGen allele CA1988097.